The following is an entry in ClinVar:

ClinVar aggregate classification (germline): Uncertain significance (1 of 4 stars; one submission).

Conditions:
Glycogen storage disease IXc (GSD9C). Also called: GSD IXc. Identifiers: Orphanet 264580, MedGen C2751643, MONDO:0013091, OMIM 613027.

Allele frequency attached by ClinVar (database versions not stated): gnomAD exomes 0.00001.

Submission:

Labcorp Genetics (formerly Invitae), Labcorp
Classification: Uncertain significance for Glycogen storage disease IXc. Last evaluated: 2025-11-17. Review status: criteria provided, single submitter. Criteria: Invitae Variant Classification Sherloc (09022015). Collection method: clinical testing. Allele origin: germline.
Comment: This sequence change replaces valine, which is neutral and non-polar, with isoleucine, which is neutral and non-polar, at codon 38 of the PHKG2 protein (p.Val38Ile). This variant is present in population databases (no rsID available, gnomAD 0.0009%). This missense change has been observed in individual(s) with glycogen storage disease Type IXc (PMID: 35854365). ClinVar contains an entry for this variant (Variation ID: 2914643). Invitae Evidence Modeling of protein sequence and biophysical properties (such as structural, functional, and spatial information, amino acid conservation, physicochemical variation, residue mobility, and thermodynamic stability) has been performed for this missense variant. However, the output from this modeling did not meet the statistical confidence thresholds required to predict the impact of this variant on PHKG2 protein function. In summary, the available evidence is currently insufficient to determine the role of this variant in disease. Therefore, it has been classified as a Variant of Uncertain Significance.

Literature cited by the submitters: PubMed 35854365.

NM_000294.3(PHKG2):c.112G>A (p.Val38Ile)

Gene: PHKG2 (phosphorylase kinase catalytic subunit gamma 2; plus strand). Cytogenetic location: 16p11.2.
Variant type: single nucleotide variant.
Coding change: c.112G>A on transcript NM_000294.3 (MANE Select); coding-DNA position 112, G replaced by A.
Protein change: p.Val38Ile; replaces valine 38 with isoleucine.
Molecular consequence: missense variant.
Genome position (GRCh38, 1-based): chr16:30,751,122, G>A. VCF-style: chr16-30751122-G-A. GRCh37 (hg19) VCF-style: chr16-30762443-G-A.
Other names: c.112G>A, p.Val38Ile (NM_001172432.2); short protein forms V38I.
Identifiers: ClinVar variation 2914643 (VCV002914643.3), dbSNP rs1353903670, ClinGen allele CA395653094.